The following is an entry in ClinVar:

NM_000038.6(APC):c.6741T>G (p.Ser2247=)

Gene: APC (APC regulator of Wnt signaling pathway; plus strand). Cytogenetic location: 5q22.2.
Variant type: single nucleotide variant.
Coding change: c.6741T>G on transcript NM_000038.6 (MANE Select); coding-DNA position 6741, T replaced by G.
Protein change: p.Ser2247=; no amino-acid change (serine 2247 retained).
Molecular consequence: synonymous variant. On other transcripts: non-coding transcript variant (2).
Genome position (GRCh38, 1-based): chr5:112,842,335, T>G. VCF-style: chr5-112842335-T-G. GRCh37 (hg19) VCF-style: chr5-112178032-T-G.
Other names: c.6741T>G, p.Ser2247= (NM_001127510.3, NM_001354895.2, NM_001407450.1); c.6687T>G, p.Ser2229= (NM_001127511.3); c.6795T>G, p.Ser2265= (NM_001354896.2, NM_001407447.1, NM_001407448.1 and 1 more transcripts); c.6771T>G, p.Ser2257= (NM_001354897.2); c.6666T>G, p.Ser2222= (NM_001354898.2); c.6657T>G, p.Ser2219= (NM_001354899.2); c.6618T>G, p.Ser2206= (NM_001354900.2); c.6564T>G, p.Ser2188= (NM_001354901.2, NM_001407453.1); and 11 more.
Identifiers: ClinVar variation 4997618 (VCV004997618.1).
Genomic context (GRCh38, chr5:112,842,335, plus strand): 5'-CAGGACAATGATTCATATTCCAGGAGTTCGAAATAGCTCCTCAAGTACAAGTCCTGTTTC[T>G]AAAAAAGGCCCACCCCTTAAGACTCCAGCCTCCAAAAGCCCTAGTGAAGGTCAAACAGCC-3'
Protein context (NP_000029.2, residues 2237-2257): RNSSSSTSPV[Ser2247=]KKGPPLKTPA

ClinVar aggregate classification (germline): Likely benign (1 of 4 stars; one submission).

Conditions:
APC-related disorder. Also called: APC-related condition.

Submission:

PreventionGenetics, part of Exact Sciences
Classification: Likely benign for APC-related condition. Last evaluated: 2024-11-18. Review status: criteria provided, single submitter. Criteria: ACMG Guidelines, 2015. Collection method: clinical testing. Allele origin: germline.
Comment: This variant is classified as likely benign based on ACMG/AMP sequence variant interpretation guidelines (Richards et al. 2015 PMID: 25741868, with internal and published modifications).